The following is an entry in ClinVar:

ClinVar aggregate classification (germline): Pathogenic (1 of 4 stars; one submission).

Allele frequency attached by ClinVar (database versions not stated): gnomAD 0.00001; TOPMed 0.00001.
gnomAD v4.1: 1 of 1,613,892 alleles (0.000062%); highest among the groups gnomAD compares: African/African-American, 0.0013%; no homozygotes.

Submission:

Labcorp Genetics (formerly Invitae), Labcorp
Classification: Pathogenic. Last evaluated: 2022-11-22. Review status: criteria provided, single submitter. Criteria: Invitae Variant Classification Sherloc (09022015). Collection method: clinical testing. Allele origin: germline.
Comment: Disruption of this splice site has been observed in individual(s) with clinical features of LTBP2-related conditions (Invitae). In at least one individual the data is consistent with being in trans (on the opposite chromosome) from a pathogenic variant. For these reasons, this variant has been classified as Pathogenic. Algorithms developed to predict the effect of sequence changes on RNA splicing suggest that this variant may disrupt the consensus splice site. This variant is not present in population databases (gnomAD no frequency). This sequence change affects an acceptor splice site in intron 25 of the LTBP2 gene. It is expected to disrupt RNA splicing. Variants that disrupt the donor or acceptor splice site typically lead to a loss of protein function (PMID: 16199547), and loss-of-function variants in LTBP2 are known to be pathogenic (PMID: 19361779, 19656777, 22025892).

Literature cited by the submitters: PubMed 16199547; PubMed 19361779; PubMed 19656777; PubMed 22025892.

NM_000428.3(LTBP2):c.3776-1G>C

Gene: LTBP2 (latent transforming growth factor beta binding protein 2; minus strand). Cytogenetic location: 14q24.3.
Variant type: single nucleotide variant.
Coding change: c.3776-1G>C on transcript NM_000428.3 (MANE Select); the canonical splice acceptor site of the intron before coding-DNA position 3776, G replaced by C.
Molecular consequence: splice acceptor variant.
Genome position (GRCh38, 1-based): chr14:74,507,311, C>G on the plus strand (G>C on the coding strand, the complement: LTBP2 is on the minus strand). VCF-style: chr14-74507311-C-G. GRCh37 (hg19) VCF-style: chr14-74974014-C-G.
Identifiers: ClinVar variation 1925448 (VCV001925448.5), dbSNP rs1454530658, ClinGen allele CA390387275.